The following is an entry in ClinVar:

NM_002350.4(LYN):c.217C>G (p.Pro73Ala)

Gene: LYN (LYN proto-oncogene, Src family tyrosine kinase; plus strand). Cytogenetic location: 8q12.1.
Variant type: single nucleotide variant.
Coding change: c.217C>G on transcript NM_002350.4 (MANE Select); coding-DNA position 217, C replaced by G.
Protein change: p.Pro73Ala; replaces proline 73 with alanine.
Molecular consequence: missense variant.
Genome position (GRCh38, 1-based): chr8:55,947,656, C>G. VCF-style: chr8-55947656-C-G. GRCh37 (hg19) VCF-style: chr8-56860215-C-G.
Other names: c.154C>G, p.Pro52Ala (NM_001111097.3); short protein forms P52A, P73A.
Identifiers: ClinVar variation 2786240 (VCV002786240.3), dbSNP rs180953595, ClinGen allele CA177242553.

ClinVar aggregate classification (germline): Uncertain significance (1 of 4 stars; one submission).

Allele frequency attached by ClinVar (database versions not stated): gnomAD exomes below 0.00001; gnomAD 0.00001; 1000 Genomes Project 30x 0.00016; 1000 Genomes Project 0.00020.
gnomAD v4.1: 2 of 1,613,870 alleles (0.00012%); highest among the groups gnomAD compares: Non-Finnish European, 0.00017%; no homozygotes.

Submission:

Labcorp Genetics (formerly Invitae), Labcorp
Classification: Uncertain significance. Last evaluated: 2024-06-24. Review status: criteria provided, single submitter. Criteria: Invitae Variant Classification Sherloc (09022015). Collection method: clinical testing. Allele origin: germline.
Comment: This sequence change replaces proline, which is neutral and non-polar, with alanine, which is neutral and non-polar, at codon 73 of the LYN protein (p.Pro73Ala). This variant is not present in population databases (gnomAD no frequency). This variant has not been reported in the literature in individuals affected with LYN-related conditions. An algorithm developed to predict the effect of missense changes on protein structure and function (PolyPhen-2) suggests that this variant is likely to be tolerated. In summary, the available evidence is currently insufficient to determine the role of this variant in disease. Therefore, it has been classified as a Variant of Uncertain Significance.